The following is an entry in ClinVar:

ClinVar aggregate classification (germline): Pathogenic. Review status: criteria provided, multiple submitters, no conflicts (2 of 4 stars). 7 submissions from 7 submitters: Pathogenic (6). 1 of the submissions does not count toward it. Last evaluated 2025-06-29.

Conditions:
Becker muscular dystrophy (BMD). Also called: Becker Muscular Dystrophy (BMD); MUSCULAR DYSTROPHY, PSEUDOHYPERTROPHIC PROGRESSIVE, BECKER TYPE. Identifiers: Orphanet 98895, MedGen C0917713, MONDO:0010311, OMIM 300376.
Duchenne muscular dystrophy (DMD). Also called: Duchenne Muscular Dystrophy (DMD); MUSCULAR DYSTROPHY, PSEUDOHYPERTROPHIC PROGRESSIVE, DUCHENNE TYPE. Identifiers: Orphanet 98896, MedGen C0013264, MONDO:0010679, OMIM 310200.
Cardiomyopathy (CMYO). Also called: Cardiomyopathies. Identifiers: Orphanet 167848, MedGen C0878544, MONDO:0004994, HP:0001638. Inheritance: Various modes of inheritance.
Dystrophin deficiency.
Dilated cardiomyopathy 3B (CMD3B). Also called: CMD3B: DMD-Related Dilated Cardiomyopathy; CARDIOMYOPATHY, DILATED, X-LINKED; DMD-Associated Dilated Cardiomyopathy. Identifiers: Orphanet 154, MedGen C3668940, MONDO:0010542, OMIM 302045.

Submissions (7):

Labcorp Genetics (formerly Invitae), Labcorp
Classification: Pathogenic for Duchenne muscular dystrophy. Last evaluated: 2025-06-29. Review status: criteria provided, single submitter. Criteria: Invitae Variant Classification Sherloc (09022015). Collection method: clinical testing. Allele origin: germline.
Comment: This sequence change creates a premature translational stop signal (p.Arg1763*) in the DMD gene. It is expected to result in an absent or disrupted protein product. Loss-of-function variants in DMD are known to be pathogenic (PMID: 16770791, 25007885). This variant is not present in population databases (gnomAD no frequency). This premature translational stop signal has been observed in individuals with dystrophinopathy (PMID: 16770791, 17041906, 19937601, 21515508, 21851881, 23536893, 27593222). Invitae Evidence Modeling of clinical and family history, age, sex, and reported ancestry of multiple individuals with this DMD variant has been performed. This variant is expected to be pathogenic with a positive predictive value of at least 99%. This is a validated machine learning model that incorporates the clinical features of 600,801 individuals referred to our laboratory for DMD testing. ClinVar contains an entry for this variant (Variation ID: 94658). Algorithms developed to predict the effect of sequence changes on RNA splicing suggest that this variant may disrupt the consensus splice site. For these reasons, this variant has been classified as Pathogenic.

Revvity Omics, Revvity
Classification: Pathogenic. Last evaluated: 2022-11-28. Review status: criteria provided, single submitter. Criteria: ACMG Guidelines, 2015. Collection method: clinical testing. Allele origin: germline.

Centre for Mendelian Genomics, University Medical Centre Ljubljana
Classification: Pathogenic for Dilated cardiomyopathy 3B. Last evaluated: 2020-03-18. Review status: criteria provided, single submitter. Criteria: ACMG Guidelines, 2015. Collection method: clinical testing. Allele origin: unknown. Affected: yes.
Comment: This variant was classified as: Pathogenic. The following ACMG criteria were applied in classifying this variant: PVS1,PM2,PP4. This variant was detected in hemizygous state.

ARUP Laboratories, Molecular Genetics and Genomics, ARUP Laboratories
Classification: Pathogenic. Last evaluated: 2018-07-16. Review status: criteria provided, single submitter. Criteria: ARUP Molecular Germline Variant Investigation Process. Collection method: clinical testing. Allele origin: germline.
Comment: The p.Arg1763Ter variant (rs398123981) has been reported in the medical literature in multiple individuals diagnosed with Duchenne or Becker muscular dystrophy (Cho 2017, Deburgrave 2007, Flanigan 2009, Juan-Mateu 2013, and Mah 2011), and it is classified as pathogenic in ClinVar (Variant ID: 94658). The p.Arg1763Ter variant is absent from general population databases such as 1000 Genomes, the NHLBI GO Exome Sequencing Project (ESP), and the Genome Aggregation Database (gnomAD) browser. Nonsense variants in DMD are typically associated with the more severe Duchenne muscular dystrophy; however, the p.Arg1763Ter variant is most often found in patients with the more mild Becker muscular dystrophy. This appears to be explained by the in-frame skipping of exon 37 in patients who harbor this variant (Deburgrave 2007 and Juan-Mateu 2013). Therefore, based on the available evidence, the p.Arg1763Ter variant is classified as pathogenic.

Eurofins Ntd Llc (ga)
Classification: Pathogenic. Last evaluated: 2017-01-12. Review status: criteria provided, single submitter. Criteria: EGL Classification Definitions 2015. Collection method: clinical testing. Allele origin: germline. Observed: 3 variant alleles, 1 heterozygote, 2 hemizygotes.

Athena Diagnostics
Classification: Pathogenic for Duchenne muscular dystrophy. Last evaluated: 2013-10-21. Review status: criteria provided, single submitter. Criteria: Athena Diagnostics Criteria. Collection method: clinical testing. Allele origin: germline. Inheritance: X-linked recessive inheritance.
Comment: X-linked recessive inheritance

Natera, Inc.
Classification: Pathogenic for Becker muscular dystrophy; Cardiomyopathy; Duchenne muscular dystrophy; Dystrophin deficiency. Last evaluated: 2020-03-31. Review status: no assertion criteria provided. Collection method: clinical testing. Allele origin: germline. Not counted in ClinVar's aggregate classification.

Literature cited by the submitters: PubMed 16770791 (cited by Labcorp Genetics (formerly Invitae), Labcorp); PubMed 25007885 (cited by Labcorp Genetics (formerly Invitae), Labcorp); PubMed 17041906 (cited by Labcorp Genetics (formerly Invitae), Labcorp and Athena Diagnostics); PubMed 19937601 (cited by Labcorp Genetics (formerly Invitae), Labcorp); PubMed 21515508 (cited by Labcorp Genetics (formerly Invitae), Labcorp); PubMed 21851881 (cited by Labcorp Genetics (formerly Invitae), Labcorp); PubMed 23536893 (cited by Labcorp Genetics (formerly Invitae), Labcorp and Athena Diagnostics); PubMed 27593222 (cited by Labcorp Genetics (formerly Invitae), Labcorp).

NM_004006.3(DMD):c.5287C>T (p.Arg1763Ter)

Gene: DMD (dystrophin; minus strand). Cytogenetic location: Xp21.1.
Variant type: single nucleotide variant.
Coding change: c.5287C>T on transcript NM_004006.3 (MANE Select); coding-DNA position 5287, C replaced by T.
Protein change: p.Arg1763Ter; replaces arginine 1763 with a stop codon.
Molecular consequence: nonsense.
Genome position (GRCh38, 1-based): chrX:32,362,826, G>A on the plus strand (C>T on the coding strand, the complement: DMD is on the minus strand). VCF-style: chrX-32362826-G-A. GRCh37 (hg19) VCF-style: chrX-32380943-G-A.
Other names: NP_003997.1:p.Arg1763*; c.5263C>T, p.Arg1755Ter (NM_000109.4); c.5275C>T, p.Arg1759Ter (NM_004009.3); c.4918C>T, p.Arg1640Ter (NM_004010.3); c.1264C>T, p.Arg422Ter (NM_004011.4); c.1255C>T, p.Arg419Ter (NM_004012.4); short protein forms R1763*, R1640*, R419*, R1755*, R1759*, R422*.
Identifiers: ClinVar variation 94658 (VCV000094658.26), dbSNP rs398123981, ClinGen allele CA267055.